The following is an entry in ClinVar:

ClinVar aggregate classification (germline): Uncertain significance. Review status: criteria provided, multiple submitters, no conflicts (2 of 4 stars). 6 submissions from 6 submitters: Uncertain significance (6). Last evaluated 2025-06-03.

Conditions:
Cardiovascular phenotype. Identifiers: MedGen CN230736.
Cardiomyopathy (CMYO). Also called: Cardiomyopathies. Identifiers: Orphanet 167848, MedGen C0878544, MONDO:0004994, HP:0001638. Inheritance: Various modes of inheritance.
Hypertrophic cardiomyopathy. Also called: HYPERTROPHIC MYOCARDIOPATHY. Identifiers: Orphanet 217569, MedGen C0007194, MeSH D002312, MONDO:0005045, HP:0001639.

Allele frequency attached by ClinVar (database versions not stated): TOPMed below 0.00001; gnomAD 0.00001; gnomAD exomes 0.00001.
gnomAD v4.1: 8 of 1,595,526 alleles (0.0005%); highest among the groups gnomAD compares: Non-Finnish European, 0.00068%; no homozygotes.

Submissions (6):

Color Diagnostics, LLC DBA Color Health
Classification: Uncertain significance for Cardiomyopathy. Last evaluated: 2025-06-03. Review status: criteria provided, single submitter. Criteria: ACMG Guidelines, 2015. Collection method: clinical testing. Allele origin: germline.
Comment: This missense variant replaces glycine with arginine at codon 1099 of the MYBPC3 protein. Computational prediction suggests that this variant may have a deleterious impact on protein structure and function. To our knowledge, functional studies have not been reported for this variant. This variant has been reported in an individual affected with hypertrophic cardiomyopathy (PMID: 37652022). This variant has not been identified in the general population by the Genome Aggregation Database (gnomAD). The available evidence is insufficient to determine the role of this variant in disease conclusively. Therefore, this variant is classified as a Variant of Uncertain Significance.

Labcorp Genetics (formerly Invitae), Labcorp
Classification: Uncertain significance for Hypertrophic cardiomyopathy. Last evaluated: 2024-11-10. Review status: criteria provided, single submitter. Criteria: Invitae Variant Classification Sherloc (09022015). Collection method: clinical testing. Allele origin: germline.
Comment: This sequence change replaces glycine, which is neutral and non-polar, with arginine, which is basic and polar, at codon 1099 of the MYBPC3 protein (p.Gly1099Arg). This variant is not present in population databases (gnomAD no frequency). This missense change has been observed in individual(s) with clinical features of hypertrophic cardiomyopathy (PMID: 37652022). ClinVar contains an entry for this variant (Variation ID: 420232). An algorithm developed to predict the effect of missense changes on protein structure and function (PolyPhen-2) suggests that this variant is likely to be disruptive. In summary, the available evidence is currently insufficient to determine the role of this variant in disease. Therefore, it has been classified as a Variant of Uncertain Significance.

All of Us Research Program, National Institutes of Health
Classification: Uncertain significance for Hypertrophic cardiomyopathy. Last evaluated: 2023-10-06. Review status: criteria provided, single submitter. Criteria: ACMG Guidelines, 2015. Collection method: clinical testing. Allele origin: germline. Inheritance: Autosomal dominant inheritance. Observed: 3 variant alleles, 3 heterozygotes.
Comment: This missense variant replaces glycine with arginine at codon 1099 of the MYBPC3 protein. Computational prediction is inconclusive regarding the impact of this variant on protein structure and function (internally defined REVEL score threshold 0.5 < inconclusive < 0.7, PMID: 27666373). To our knowledge, functional studies have not been reported for this variant. This variant has not been reported in individuals affected with cardiovascular disorders in the literature. This variant has not been identified in the general population by the Genome Aggregation Database (gnomAD). The available evidence is insufficient to determine the role of this variant in disease conclusively. Therefore, this variant is classified as a Variant of Uncertain Significance.

This study involves interpretation of variants in research participants for the purpose of population health screening. Participant phenotype was not available at the time of variant classification. Additional details can be found in publication PMID: 35346344, PMCID: PMC8962531

CHEO Genetics Diagnostic Laboratory, Children's Hospital of Eastern Ontario
Classification: Uncertain significance for Cardiomyopathy. Last evaluated: 2022-01-25. Review status: criteria provided, single submitter. Criteria: ACMG Guidelines, 2015. Collection method: clinical testing. Allele origin: germline.

Ambry Genetics
Classification: Uncertain significance for Cardiovascular phenotype. Last evaluated: 2022-01-02. Review status: criteria provided, single submitter. Criteria: Ambry Variant Classification Scheme 2023. Collection method: clinical testing. Allele origin: germline.
Comment: The p.G1099R variant (also known as c.3295G>C), located in coding exon 30 of the MYBPC3 gene, results from a G to C substitution at nucleotide position 3295. The glycine at codon 1099 is replaced by arginine, an amino acid with dissimilar properties. This amino acid position is conserved. In addition, this alteration is predicted to be deleterious by in silico analysis. Since supporting evidence is limited at this time, the clinical significance of this alteration remains unclear.

GeneDx
Classification: Uncertain significance. Last evaluated: 2019-07-03. Review status: criteria provided, single submitter. Criteria: GeneDx Variant Classification Process June 2021. Collection method: clinical testing. Allele origin: germline. Affected: yes.
Comment: Not observed in large population cohorts (Lek et al., 2016); In silico analysis, which includes protein predictors and evolutionary conservation, supports a deleterious effect; Has not been previously published as pathogenic or benign to our knowledge

Literature cited by the submitters: PubMed 37652022 (cited by Color Diagnostics, LLC DBA Color Health and Labcorp Genetics (formerly Invitae), Labcorp).

NM_000256.3(MYBPC3):c.3295G>C (p.Gly1099Arg)

Gene: MYBPC3 (myosin binding protein C3; minus strand). Cytogenetic location: 11p11.2.
Variant type: single nucleotide variant.
Coding change: c.3295G>C on transcript NM_000256.3 (MANE Select); coding-DNA position 3295, G replaced by C.
Protein change: p.Gly1099Arg; replaces glycine 1099 with arginine.
Molecular consequence: missense variant.
Genome position (GRCh38, 1-based): chr11:47,333,229, C>G on the plus strand (G>C on the coding strand, the complement: MYBPC3 is on the minus strand). VCF-style: chr11-47333229-C-G. GRCh37 (hg19) VCF-style: chr11-47354780-C-G.
Other names: c.3295G>C, p.Gly1099Arg (LRG_386t1); short protein forms G1099R.
Identifiers: ClinVar variation 420232 (VCV000420232.21), dbSNP rs1064794364, ClinGen allele CA16619333.